The following is an entry in ClinVar:

NM_138477.4(CDAN1):c.1816C>T (p.His606Tyr)

Gene: CDAN1 (codanin 1; minus strand). Cytogenetic location: 15q15.2.
Variant type: single nucleotide variant.
Coding change: c.1816C>T on transcript NM_138477.4 (MANE Select); coding-DNA position 1816, C replaced by T.
Protein change: p.His606Tyr; replaces histidine 606 with tyrosine.
Molecular consequence: missense variant.
Genome position (GRCh38, 1-based): chr15:42,731,255, G>A on the plus strand (C>T on the coding strand, the complement: CDAN1 is on the minus strand). VCF-style: chr15-42731255-G-A. GRCh37 (hg19) VCF-style: chr15-43023453-G-A.
Other names: short protein forms H606Y.
Identifiers: ClinVar variation 1714380 (VCV001714380.5), dbSNP rs1029079785, ClinGen allele CA392044736.

ClinVar aggregate classification (germline): Uncertain significance (1 of 4 stars; one submission).

Allele frequency attached by ClinVar (database versions not stated): gnomAD exomes below 0.00001.

Submission:

Labcorp Genetics (formerly Invitae), Labcorp
Classification: Uncertain significance. Last evaluated: 2023-05-22. Review status: criteria provided, single submitter. Criteria: Invitae Variant Classification Sherloc (09022015). Collection method: clinical testing. Allele origin: germline.
Comment: In summary, the available evidence is currently insufficient to determine the role of this variant in disease. Therefore, it has been classified as a Variant of Uncertain Significance. An algorithm developed to predict the effect of missense changes on protein structure and function (PolyPhen-2) suggests that this variant is likely to be disruptive. ClinVar contains an entry for this variant (Variation ID: 1714380). This variant has not been reported in the literature in individuals affected with CDAN1-related conditions. This variant is not present in population databases (gnomAD no frequency). This sequence change replaces histidine, which is basic and polar, with tyrosine, which is neutral and polar, at codon 606 of the CDAN1 protein (p.His606Tyr).